The following is an entry in ClinVar:

ClinVar aggregate classification (germline): Uncertain significance (1 of 4 stars; one submission).

Conditions:
Charcot-Marie-Tooth disease axonal type 2O. Also called: Charcot-Marie-Tooth disease, axonal, type 20; CHARCOT-MARIE-TOOTH NEUROPATHY, AXONAL, TYPE 2O; CHARCOT-MARIE-TOOTH DISEASE, AXONAL, AUTOSOMAL DOMINANT, TYPE 2O; Charcot-Marie-Tooth Neuropathy Type 2O. Identifiers: Orphanet 284232, MedGen C3280220, MONDO:0013644, OMIM 614228.

Submission:

Labcorp Genetics (formerly Invitae), Labcorp
Classification: Uncertain significance for Charcot-Marie-Tooth disease axonal type 2O. Last evaluated: 2023-04-05. Review status: criteria provided, single submitter. Criteria: Invitae Variant Classification Sherloc (09022015). Collection method: clinical testing. Allele origin: germline.
Comment: This sequence change replaces aspartic acid, which is acidic and polar, with asparagine, which is neutral and polar, at codon 2289 of the DYNC1H1 protein (p.Asp2289Asn). This variant is not present in population databases (gnomAD no frequency). This variant has not been reported in the literature in individuals affected with DYNC1H1-related conditions. Advanced modeling of protein sequence and biophysical properties (such as structural, functional, and spatial information, amino acid conservation, physicochemical variation, residue mobility, and thermodynamic stability) performed at Invitae indicates that this missense variant is expected to disrupt DYNC1H1 protein function. In summary, the available evidence is currently insufficient to determine the role of this variant in disease. Therefore, it has been classified as a Variant of Uncertain Significance.

NM_001376.5(DYNC1H1):c.6865G>A (p.Asp2289Asn)

Gene: DYNC1H1 (dynein cytoplasmic 1 heavy chain 1; plus strand). Cytogenetic location: 14q32.31.
Variant type: single nucleotide variant.
Coding change: c.6865G>A on transcript NM_001376.5 (MANE Select); coding-DNA position 6865, G replaced by A.
Protein change: p.Asp2289Asn; replaces aspartic acid 2289 with asparagine.
Molecular consequence: missense variant.
Genome position (GRCh38, 1-based): chr14:102,012,321, G>A. VCF-style: chr14-102012321-G-A. GRCh37 (hg19) VCF-style: chr14-102478658-G-A.
Other names: short protein forms D2289N.
Identifiers: ClinVar variation 2778985 (VCV002778985.3), dbSNP rs2503757686, ClinGen allele CA391058374.
Genomic context (GRCh38, chr14:102,012,321, plus strand): 5'-AATGTTAAAATCTTGATTTAATCAGCAGCTATTTTAAAATCCTTCCCAACCAGGATCATC[G>A]ACAGCGTGAGAGGCGAGCTGCAGAAGCGCCAGTGGATCGTCTTCGATGGCGATGTGGATC-3'
Protein context (NP_001367.2, residues 2279-2299): LFTHVLRKII[Asp2289Asn]SVRGELQKRQ